The following is an entry in ClinVar:

ClinVar aggregate classification (germline): Pathogenic (1 of 4 stars; one submission).

Submission:

Labcorp Genetics (formerly Invitae), Labcorp
Classification: Pathogenic. Last evaluated: 2025-09-02. Review status: criteria provided, single submitter. Criteria: Invitae Variant Classification Sherloc (09022015). Collection method: clinical testing. Allele origin: germline.
Comment: This sequence change affects codon 715 of the COL4A5 mRNA. It is a 'silent' change, meaning that it does not change the encoded amino acid sequence of the COL4A5 protein. RNA analysis indicates that this variant induces altered splicing and likely results in a shortened protein product. This variant is not present in population databases (gnomAD no frequency). This variant has been observed in individuals with clinical features of Alport syndrome (PMID: 26809805; internal data). It has also been observed to segregate with disease in related individuals. ClinVar contains an entry for this variant (Variation ID: 587206). Studies have shown that this variant results in skipping of exon 27, but is expected to preserve the integrity of the reading-frame (PMID: 36371577). This variant disrupts the triple helix domain of COL4A5. Glycine residues within the Gly-Xaa-Yaa repeats of the triple helix domain are required for the structure and stability of fibrillar collagens (PMID: 7695699, 8218237, 19344236). In COL4A5, missense variants at these glycine residues are significantly enriched in individuals with disease (PMID: 23720012, 27627812) compared to the general population (ExAC). For these reasons, this variant has been classified as Pathogenic.

Literature cited by the submitters: PubMed 26809805; PubMed 36371577; PubMed 7695699; PubMed 8218237; PubMed 19344236; PubMed 23720012; PubMed 27627812.

NM_033380.3(COL4A5):c.2145A>G (p.Lys715=)

Gene: COL4A5 (collagen type IV alpha 5 chain; plus strand). Cytogenetic location: Xq22.3.
Variant type: single nucleotide variant.
Coding change: c.2145A>G on transcript NM_033380.3 (MANE Select); coding-DNA position 2145, A replaced by G.
Protein change: p.Lys715=; no amino-acid change (lysine 715 retained).
Molecular consequence: synonymous variant.
Genome position (GRCh38, 1-based): chrX:108,601,988, A>G. VCF-style: chrX-108601988-A-G. GRCh37 (hg19) VCF-style: chrX-107845218-A-G.
Other names: c.2145A>G, p.Lys715= (NM_000495.5).
Identifiers: ClinVar variation 587206 (VCV000587206.11), dbSNP rs1569495067, ClinGen allele CA517922855.